The following is an entry in ClinVar:

ClinVar aggregate classification (germline): Conflicting classifications of pathogenicity. Review status: criteria provided, conflicting classifications (1 of 4 stars). 2 submissions from 2 submitters: Pathogenic (1); Uncertain significance (1). Last evaluated 2025-09-19.

Conditions:
Deficiency of UDPglucose-hexose-1-phosphate uridylyltransferase. Also called: GALACTOSE-1-PHOSPHATE URIDYLYLTRANSFERASE DEFICIENCY; Transferase Deficiency Galactosemia; GALT deficiency; Galactosemia, classic; GALACTOSEMIA I. Identifiers: Orphanet 352, Orphanet 79239, MedGen C0268151, MONDO:0009258, OMIM 230400.

Submissions (2):

Women's Health and Genetics/Laboratory Corporation of America, LabCorp
Classification: Uncertain significance. Last evaluated: 2025-09-19. Review status: criteria provided, single submitter. Criteria: LabCorp Variant Classification Summary - May 2015. Collection method: clinical testing. Allele origin: germline.
Comment: Variant summary: GALT c.514G>C (p.Glu172Gln) results in a conservative amino acid change in the encoded protein sequence. Algorithms developed to predict the effect of missense changes on protein structure and function are either unavailable or do not agree on the potential impact of this missense change. The variant allele was found at a frequency of 4e-06 in 251496 control chromosomes. The available data on variant occurrences in the general population are insufficient to allow any conclusion about variant significance. c.514G>C has been observed in individual(s) affected with Galactosemia (internal_testing). These data do not allow any conclusion about variant significance. To our knowledge, no experimental evidence demonstrating an impact on protein function has been reported. No submitters have cited clinical-significance assessments for this variant to ClinVar. Based on the evidence outlined above, the variant was classified as uncertain significance.

Labcorp Genetics (formerly Invitae), Labcorp
Classification: Pathogenic for Deficiency of UDPglucose-hexose-1-phosphate uridylyltransferase. Last evaluated: 2025-02-13. Review status: criteria provided, single submitter. Criteria: Invitae Variant Classification Sherloc (09022015). Collection method: clinical testing. Allele origin: germline.
Comment: This sequence change replaces glutamic acid, which is acidic and polar, with glutamine, which is neutral and polar, at codon 172 of the GALT protein (p.Glu172Gln). This variant is present in population databases (rs780156428, gnomAD 0.008%). This missense change has been observed in individual(s) with galactosemia (internal data). In at least one individual the data is consistent with being in trans (on the opposite chromosome) from a pathogenic variant. Invitae Evidence Modeling of protein sequence and biophysical properties (such as structural, functional, and spatial information, amino acid conservation, physicochemical variation, residue mobility, and thermodynamic stability) indicates that this missense variant is expected to disrupt GALT protein function with a positive predictive value of 95%. For these reasons, this variant has been classified as Pathogenic.

NM_000155.4(GALT):c.514G>C (p.Glu172Gln)

Gene: GALT (galactose-1-phosphate uridylyltransferase; plus strand). Cytogenetic location: 9p13.3.
Variant type: single nucleotide variant.
Coding change: c.514G>C on transcript NM_000155.4 (MANE Select); coding-DNA position 514, G replaced by C.
Protein change: p.Glu172Gln; replaces glutamic acid 172 with glutamine.
Molecular consequence: missense variant.
Genome position (GRCh38, 1-based): chr9:34,648,121, G>C. VCF-style: chr9-34648121-G-C. GRCh37 (hg19) VCF-style: chr9-34648118-G-C.
Other names: c.187G>C, p.Glu63Gln (NM_001258332.2); short protein forms E63Q, E172Q.
Identifiers: ClinVar variation 3907552 (VCV003907552.3).